The following is an entry in ClinVar:

NM_001363711.2(DUOX2):c.4558C>G (p.Pro1520Ala)

Gene: DUOX2 (dual oxidase 2; minus strand). Cytogenetic location: 15q21.1.
Variant type: single nucleotide variant.
Coding change: c.4558C>G on transcript NM_001363711.2 (MANE Select); coding-DNA position 4558, C replaced by G.
Protein change: p.Pro1520Ala; replaces proline 1520 with alanine.
Molecular consequence: missense variant.
Genome position (GRCh38, 1-based): chr15:45,094,239, G>C on the plus strand (C>G on the coding strand, the complement: DUOX2 is on the minus strand). VCF-style: chr15-45094239-G-C. GRCh37 (hg19) VCF-style: chr15-45386437-G-C.
Other names: c.4558C>G, p.Pro1520Ala (NM_014080.5); short protein forms P1520A.
Identifiers: ClinVar variation 1416911 (VCV001416911.8), dbSNP rs1893837403, ClinGen allele CA392249359.
Genomic context (GRCh38, chr15:45,094,239, plus strand): 5'-GGGCTCGGTCCTGCCTGTTGACGAGCTGACAGGCCTTCTCTACATTCTTGGTCATTCCTG[G>C]AGGGCCGCAGCTGAACACCCCGATCTTGCGCACCTGTCAGGAGATTGGAGAGAGAGAGGG-3'
Protein context (NP_001350640.1, residues 1510-1530): RKIGVFSCGP[Pro1520Ala]GMTKNVEKAC

ClinVar aggregate classification (germline): Uncertain significance. Review status: criteria provided, multiple submitters, no conflicts (2 of 4 stars). 2 submissions from 2 submitters: Uncertain significance (2). Last evaluated 2025-02-27.

gnomAD v4.1: 2 of 1,614,160 alleles (0.00012%); highest among the groups gnomAD compares: Non-Finnish European, 0.00017%; no homozygotes.

Submissions (2):

Labcorp Genetics (formerly Invitae), Labcorp
Classification: Uncertain significance. Last evaluated: 2025-02-27. Review status: criteria provided, single submitter. Criteria: Invitae Variant Classification Sherloc (09022015). Collection method: clinical testing. Allele origin: germline.
Comment: This sequence change replaces proline, which is neutral and non-polar, with alanine, which is neutral and non-polar, at codon 1520 of the DUOX2 protein (p.Pro1520Ala). This variant is not present in population databases (gnomAD no frequency). This variant has not been reported in the literature in individuals affected with DUOX2-related conditions. ClinVar contains an entry for this variant (Variation ID: 1416911). Invitae Evidence Modeling of protein sequence and biophysical properties (such as structural, functional, and spatial information, amino acid conservation, physicochemical variation, residue mobility, and thermodynamic stability) indicates that this missense variant is not expected to disrupt DUOX2 protein function with a negative predictive value of 95%. In summary, the available evidence is currently insufficient to determine the role of this variant in disease. Therefore, it has been classified as a Variant of Uncertain Significance.

GeneDx
Classification: Uncertain significance. Last evaluated: 2022-04-04. Review status: criteria provided, single submitter. Criteria: GeneDx Variant Classification Process June 2021. Collection method: clinical testing. Allele origin: germline. Affected: yes.
Comment: Not observed in large population cohorts (gnomAD); In silico analysis supports that this missense variant has a deleterious effect on protein structure/function; Has not been previously published as pathogenic or benign to our knowledge